The following is an entry in ClinVar:

NM_005984.5(SLC25A1):c.713A>G (p.Asn238Ser)

Gene: SLC25A1 (solute carrier family 25 member 1; minus strand). Cytogenetic location: 22q11.21.
Variant type: single nucleotide variant.
Coding change: c.713A>G on transcript NM_005984.5 (MANE Select); coding-DNA position 713, A replaced by G.
Protein change: p.Asn238Ser; replaces asparagine 238 with serine.
Molecular consequence: missense variant. On other transcripts: non-coding transcript variant (1).
Genome position (GRCh38, 1-based): chr22:19,176,612, T>C on the plus strand (A>G on the coding strand, the complement: SLC25A1 is on the minus strand). VCF-style: chr22-19176612-T-C. GRCh37 (hg19) VCF-style: chr22-19164125-T-C.
Other names: c.734A>G, p.Asn245Ser (NM_001256534.2); c.404A>G, p.Asn135Ser (NM_001287387.2); short protein forms N135S, N238S, N245S.
Identifiers: ClinVar variation 2229523 (VCV002229523.2), dbSNP rs2517250314, ClinGen allele CA410636131.
Genomic context (GRCh38, chr22:19,176,612, plus strand): 5'-TCCCCTCCCCTTCCCGGCCCCACCACCTGCATCCGGGTCTTAATCACATCCAGAGGAGTG[T>C]TTCCAAAGACACTGGCTGCGCCTGCAATAGCTCCGAAGACCCCAGTGATCAGAGGGTTCA-3'
Protein context (NP_005975.1, residues 228-248): AIAGAASVFG[Asn238Ser]TPLDVIKTRM

ClinVar aggregate classification (germline): Uncertain significance (1 of 4 stars; one submission).

Conditions:
Inborn genetic diseases. Identifiers: MedGen C0950123, MeSH D030342.

Submission:

Ambry Genetics
Classification: Uncertain significance for Inborn genetic diseases. Last evaluated: 2021-03-16. Review status: criteria provided, single submitter. Criteria: Ambry Variant Classification Scheme 2023. Collection method: clinical testing. Allele origin: germline.
Comment: The c.713A>G (p.N238S) alteration is located in exon 7 (coding exon 7) of the SLC25A1 gene. This alteration results from a A to G substitution at nucleotide position 713, causing the asparagine (N) at amino acid position 238 to be replaced by a serine (S). The p.N238S alteration is predicted to be tolerated by in silico analysis. Based on insufficient or conflicting evidence, the clinical significance of this alteration remains unclear.